The following is an entry in ClinVar:

ClinVar aggregate classification (germline): Conflicting classifications of pathogenicity. Review status: criteria provided, conflicting classifications (1 of 4 stars). 5 submissions from 5 submitters: Uncertain significance (2); Likely benign (2). 1 of the submissions does not count toward it. Last evaluated 2026-01-13.

Conditions:
CDH2-related disorder. Also called: CDH2-related condition.
Inborn genetic diseases. Identifiers: MedGen C0950123, MeSH D030342.

Allele frequency attached by ClinVar (database versions not stated): gnomAD exomes 0.00019 and 0.00025; ExAC 0.00021; TOPMed 0.00021; gnomAD 0.00025 and 0.00027; 1000 Genomes Project 30x 0.00047; 1000 Genomes Project 0.00060.
gnomAD v4.1: 321 of 1,612,842 alleles (0.02%); highest among the groups gnomAD compares: Admixed American, 0.088%; 1 homozygote.

Submissions (5):

Labcorp Genetics (formerly Invitae), Labcorp
Classification: Uncertain significance. Last evaluated: 2026-01-13. Review status: criteria provided, single submitter. Criteria: Invitae Variant Classification Sherloc (09022015). Collection method: clinical testing. Allele origin: germline.
Comment: This sequence change replaces glutamic acid, which is acidic and polar, with aspartic acid, which is acidic and polar, at codon 672 of the CDH2 protein (p.Glu672Asp). This variant is present in population databases (rs151218256, gnomAD 0.06%), and has an allele count higher than expected for a pathogenic variant. This variant has not been reported in the literature in individuals affected with CDH2-related conditions. ClinVar contains an entry for this variant (Variation ID: 1386296). An algorithm developed to predict the effect of missense changes on protein structure and function (PolyPhen-2) suggests that this variant is likely to be tolerated. In summary, the available evidence is currently insufficient to determine the role of this variant in disease. Therefore, it has been classified as a Variant of Uncertain Significance.

Blueprint Genetics
Classification: Likely benign. Last evaluated: 2024-08-05. Review status: criteria provided, single submitter. Criteria: ACMG Guidelines, 2015. Collection method: clinical testing. Allele origin: germline.

Ambry Genetics
Classification: Likely benign for Inborn genetic diseases. Last evaluated: 2021-07-19. Review status: criteria provided, single submitter. Criteria: Ambry Variant Classification Scheme 2023. Collection method: clinical testing. Allele origin: germline.

Breakthrough Genomics
Classification: Uncertain significance. Review status: criteria provided, single submitter. Criteria: ACMG Guidelines, 2015. Collection method: not provided. Allele origin: germline. Inheritance: Autosomal recessive inheritance. Affected: yes.

PreventionGenetics, part of Exact Sciences
Classification: Likely benign for CDH2-related condition. Last evaluated: 2022-02-14. Review status: no assertion criteria provided. Collection method: clinical testing. Allele origin: germline. Not counted in ClinVar's aggregate classification.
Comment: This variant is classified as likely benign based on ACMG/AMP sequence variant interpretation guidelines (Richards et al. 2015 PMID: 25741868, with internal and published modifications).

Literature cited by the submitters: PubMed 30847666 (cited by Ambry Genetics).

NM_001792.5(CDH2):c.2016A>T (p.Glu672Asp)

Gene: CDH2 (cadherin 2; minus strand). Cytogenetic location: 18q12.1.
Variant type: single nucleotide variant.
Coding change: c.2016A>T on transcript NM_001792.5 (MANE Select); coding-DNA position 2016, A replaced by T.
Protein change: p.Glu672Asp; replaces glutamic acid 672 with aspartic acid.
Molecular consequence: missense variant.
Genome position (GRCh38, 1-based): chr18:27,985,193, T>A on the plus strand (A>T on the coding strand, the complement: CDH2 is on the minus strand). VCF-style: chr18-27985193-T-A. GRCh37 (hg19) VCF-style: chr18-25565157-T-A.
Other names: c.1923A>T, p.Glu641Asp (NM_001308176.2); c.2016A>T (NM_001792.3, NM_001792.4); short protein forms E641D, E672D.
Identifiers: ClinVar variation 1386296 (VCV001386296.11), dbSNP rs151218256, ClinGen allele CA8923256.